The following is an entry in ClinVar:

ClinVar aggregate classification (germline): Likely pathogenic (1 of 4 stars; one submission).

Conditions:
Biotinidase deficiency. Also called: BTD deficiency; Late-onset biotin-responsive multiple carboxylase deficiency; Biotin deficiency. Identifiers: Orphanet 79241, MedGen C0220754, MONDO:0009665, OMIM 253260.

Submission:

Natera, Inc.
Classification: Likely pathogenic for Biotinidase deficiency. Last evaluated: 2025-02-14. Review status: criteria provided, single submitter. Criteria: Natera Variant Classification Schema (03/2026). Collection method: clinical testing. Allele origin: germline.
Comment: The c.576C>A variant in BTD is a nonsense variant predicted to introduce a stop codon at amino acid 192. This variant is expected to result in nonsense mediated decay, truncation, or a dysfunctional protein product. This variant is rare in the general population with a frequency below the threshold expected for the associated phenotype(s). Given the available evidence, this variant is classified as Likely Pathogenic.

NM_000060.4:c.576C>A

Variant type: single nucleotide variant.
Other names: c.576C>A (NM_000060.4).
Identifiers: ClinVar variation 4816021 (VCV004816021.1).